The following is an entry in ClinVar:

NM_032892.5(FRMD5):c.1072G>A (p.Gly358Ser)

Gene: FRMD5 (FERM domain containing 5; minus strand). Cytogenetic location: 15q15.3.
Variant type: single nucleotide variant.
Coding change: c.1072G>A on transcript NM_032892.5 (MANE Select); coding-DNA position 1072, G replaced by A.
Protein change: p.Gly358Ser; replaces glycine 358 with serine.
Molecular consequence: missense variant. On other transcripts: non-coding transcript variant (1).
Genome position (GRCh38, 1-based): chr15:43,883,766, C>T on the plus strand (G>A on the coding strand, the complement: FRMD5 is on the minus strand). VCF-style: chr15-43883766-C-T. GRCh37 (hg19) VCF-style: chr15-44175964-C-T.
Other names: c.790G>A, p.Gly264Ser (NM_001286490.2); c.370G>A, p.Gly124Ser (NM_001286491.2); c.1072G>A, p.Gly358Ser (NM_001322949.2, NM_001322950.2, NM_001411124.1); c.967G>A, p.Gly323Ser (NM_001322951.2); short protein forms G124S, G264S, G323S, G358S.
Identifiers: ClinVar variation 4690195 (VCV004690195.1).

ClinVar aggregate classification (germline): Uncertain significance (1 of 4 stars; one submission).

gnomAD v4.1: 2 of 1,614,074 alleles (0.00012%); highest among the groups gnomAD compares: Non-Finnish European, 0.00017%; no homozygotes.

Submission:

GeneDx
Classification: Uncertain significance. Last evaluated: 2025-08-01. Review status: criteria provided, single submitter. Criteria: GeneDx Variant Classification Process June 2021. Collection method: clinical testing. Allele origin: germline. Affected: yes.
Comment: Not observed at significant frequency in large population cohorts (gnomAD); In silico analysis suggests that this missense variant does not alter protein structure/function; Has not been previously published as pathogenic or benign to our knowledge